The following is an entry in ClinVar:

NM_001283009.2(RTEL1):c.1286C>A (p.Ala429Asp)

Genes: RTEL1 (regulator of telomere elongation helicase 1; plus strand), RTEL1-TNFRSF6B (RTEL1-TNFRSF6B readthrough (NMD candidate); plus strand). Cytogenetic location: 20q13.33.
Variant type: single nucleotide variant.
Coding change: c.1286C>A on transcript NM_001283009.2 (MANE Select); coding-DNA position 1286, C replaced by A.
Protein change: p.Ala429Asp; replaces alanine 429 with aspartic acid.
Molecular consequence: missense variant. On other transcripts: non-coding transcript variant (1).
Genome position (GRCh38, 1-based): chr20:63,685,810, C>A. VCF-style: chr20-63685810-C-A. GRCh37 (hg19) VCF-style: chr20-62317163-C-A.
Other names: c.617C>A, p.Ala206Asp (NM_001283010.1); c.1286C>A, p.Ala429Asp (NM_016434.4); c.1358C>A, p.Ala453Asp (NM_032957.5); short protein forms A206D, A429D, A453D.
Identifiers: ClinVar variation 2947487 (VCV002947487.3), dbSNP rs149428839, ClinGen allele CA409675974.

ClinVar aggregate classification (germline): Uncertain significance (1 of 4 stars; one submission).

Conditions:
Pulmonary fibrosis and/or bone marrow failure, Telomere-related, 3. Also called: PULMONARY FIBROSIS AND/OR BONE MARROW FAILURE SYNDROME, TELOMERE-RELATED, 3. Identifiers: Orphanet 2032, MedGen C4225346, MONDO:0014613, OMIM 616373.
Dyskeratosis congenita, autosomal recessive 5 (DKCB5). Identifiers: MedGen C3554656, MONDO:0014076, OMIM 615190.

Submission:

Labcorp Genetics (formerly Invitae), Labcorp
Classification: Uncertain significance for Dyskeratosis congenita, autosomal recessive 5; Pulmonary fibrosis and/or bone marrow failure, Telomere-related, 3. Last evaluated: 2024-11-10. Review status: criteria provided, single submitter. Criteria: Invitae Variant Classification Sherloc (09022015). Collection method: clinical testing. Allele origin: germline.
Comment: This sequence change replaces alanine, which is neutral and non-polar, with aspartic acid, which is acidic and polar, at codon 429 of the RTEL1 protein (p.Ala429Asp). This variant is not present in population databases (gnomAD no frequency). This variant has not been reported in the literature in individuals affected with RTEL1-related conditions. ClinVar contains an entry for this variant (Variation ID: 2947487). An algorithm developed to predict the effect of missense changes on protein structure and function (PolyPhen-2) suggests that this variant is likely to be tolerated. In summary, the available evidence is currently insufficient to determine the role of this variant in disease. Therefore, it has been classified as a Variant of Uncertain Significance.